The following is an entry in ClinVar:

ClinVar aggregate classification (germline): Uncertain significance (1 of 4 stars; one submission).

Conditions:
Cardiovascular phenotype. Identifiers: MedGen CN230736.

Submission:

Ambry Genetics
Classification: Uncertain significance for Cardiovascular phenotype. Last evaluated: 2022-11-19. Review status: criteria provided, single submitter. Criteria: Ambry Variant Classification Scheme 2023. Collection method: clinical testing. Allele origin: germline.
Comment: The p.D3270G variant (also known as c.9809A>G), located in coding exon 2 of the ZNF469 gene, results from an A to G substitution at nucleotide position 9809. The aspartic acid at codon 3270 is replaced by glycine, an amino acid with similar properties. This amino acid position is conserved. In addition, this alteration is predicted to be tolerated by in silico analysis. Since supporting evidence is limited at this time, the clinical significance of this alteration remains unclear.

NM_001367624.2(ZNF469):c.9893A>G (p.Asp3298Gly)

Gene: ZNF469 (zinc finger protein 469; plus strand). Cytogenetic location: 16q24.2.
Variant type: single nucleotide variant.
Coding change: c.9893A>G on transcript NM_001367624.2 (MANE Select); coding-DNA position 9893, A replaced by G.
Protein change: p.Asp3298Gly; replaces aspartic acid 3298 with glycine.
Molecular consequence: missense variant.
Genome position (GRCh38, 1-based): chr16:88,437,363, A>G. VCF-style: chr16-88437363-A-G. GRCh37 (hg19) VCF-style: chr16-88503771-A-G.
Other names: NM_001127464.1:c.9809A>G; short protein forms D3298G.
Identifiers: ClinVar variation 3232891 (VCV003232891.1), dbSNP rs2507604686, ClinGen allele CA397125028.